The following is an entry in ClinVar:

ClinVar aggregate classification (germline): Benign/Likely benign. Review status: criteria provided, multiple submitters, no conflicts (2 of 4 stars). 3 submissions from 3 submitters: Benign (1); Likely benign (2). Last evaluated 2025-03-15.

Conditions:
Hereditary cancer-predisposing syndrome. Also called: Tumor predisposition; Hereditary neoplastic syndrome; Neoplastic Syndromes, Hereditary; Hereditary Cancer Syndrome. Identifiers: Orphanet 140162, MedGen C0027672, MeSH D009386, MONDO:0015356.
Oligodontia-cancer predisposition syndrome. Also called: TOOTH AGENESIS-COLORECTAL CANCER SYNDROME. Identifiers: Orphanet 300576, MedGen C1837750, MONDO:0012075, OMIM 608615. Disease mechanism: loss of function.

Allele frequency attached by ClinVar (database versions not stated): gnomAD exomes below 0.00001; gnomAD 0.00001.
gnomAD v4.1: 2 of 1,594,498 alleles (0.00013%); highest among the groups gnomAD compares: East Asian, 0.0045%; no homozygotes.

Submissions (3):

Labcorp Genetics (formerly Invitae), Labcorp
Classification: Likely benign for Oligodontia-cancer predisposition syndrome. Last evaluated: 2025-03-15. Review status: criteria provided, single submitter. Criteria: Invitae Variant Classification Sherloc (09022015). Collection method: clinical testing. Allele origin: germline.

Myriad Genetics, Inc.
Classification: Benign for Oligodontia-cancer predisposition syndrome. Last evaluated: 2024-07-03. Review status: criteria provided, single submitter. Criteria: Myriad Autosomal Dominant, Autosomal Recessive and X-Linked Classification Criteria (2023). Collection method: clinical testing. Allele origin: unknown.
Comment: This variant is considered benign. This variant is a silent/synonymous amino acid change and it is not expected to impact splicing.

Ambry Genetics
Classification: Likely benign for Hereditary cancer-predisposing syndrome. Last evaluated: 2018-12-14. Review status: criteria provided, single submitter. Criteria: Ambry Variant Classification Scheme 2023. Collection method: clinical testing. Allele origin: germline.

NM_004655.4(AXIN2):c.1413C>T (p.His471=)

Gene: AXIN2 (axin 2; minus strand). Cytogenetic location: 17q24.1.
Variant type: single nucleotide variant.
Coding change: c.1413C>T on transcript NM_004655.4 (MANE Select); coding-DNA position 1413, C replaced by T.
Protein change: p.His471=; no amino-acid change (histidine 471 retained).
Molecular consequence: synonymous variant.
Genome position (GRCh38, 1-based): chr17:65,537,623, G>A on the plus strand (C>T on the coding strand, the complement: AXIN2 is on the minus strand). VCF-style: chr17-65537623-G-A. GRCh37 (hg19) VCF-style: chr17-63533741-G-A.
Other names: c.1413C>T, p.His471= (NM_001363813.1).
Identifiers: ClinVar variation 819165 (VCV000819165.10), dbSNP rs1213025395, ClinGen allele CA501691731.